The following is an entry in ClinVar:

ClinVar aggregate classification (germline): Uncertain significance (1 of 4 stars; one submission).

Conditions:
Parathyroid carcinoma (PRTC). Also called: Parathyroid gland carcinoma; CDC73-Related Parathyroid Carcinoma. Identifiers: Orphanet 143, MedGen C0687150, MONDO:0012004, OMIM 608266, HP:0006780.

Submission:

Labcorp Genetics (formerly Invitae), Labcorp
Classification: Uncertain significance for Parathyroid carcinoma. Last evaluated: 2022-09-28. Review status: criteria provided, single submitter. Criteria: Invitae Variant Classification Sherloc (09022015). Collection method: clinical testing. Allele origin: germline.
Comment: This sequence change falls in intron 3 of the CDC73 gene. It does not directly change the encoded amino acid sequence of the CDC73 protein. It affects a nucleotide within the consensus splice site. This variant is not present in population databases (gnomAD no frequency). This variant has not been reported in the literature in individuals affected with CDC73-related conditions. Variants that disrupt the consensus splice site are a relatively common cause of aberrant splicing (PMID: 17576681, 9536098). Algorithms developed to predict the effect of sequence changes on RNA splicing suggest that this variant may disrupt the consensus splice site. In summary, the available evidence is currently insufficient to determine the role of this variant in disease. Therefore, it has been classified as a Variant of Uncertain Significance.

Literature cited by the submitters: PubMed 17576681; PubMed 9536098.

NM_024529.5(CDC73):c.307+5G>C

Gene: CDC73 (cell division cycle 73; plus strand). Cytogenetic location: 1q31.2.
Variant type: single nucleotide variant.
Coding change: c.307+5G>C on transcript NM_024529.5 (MANE Select); 5 bases into the intron after coding-DNA position 307, G replaced by C.
Molecular consequence: intron variant.
Genome position (GRCh38, 1-based): chr1:193,130,248, G>C. VCF-style: chr1-193130248-G-C. GRCh37 (hg19) VCF-style: chr1-193099378-G-C.
Identifiers: ClinVar variation 2033090 (VCV002033090.4), dbSNP rs2103117996, ClinGen allele CA2580061784.